The following is an entry in ClinVar:

ClinVar aggregate classification (germline): Benign. Review status: criteria provided, multiple submitters, no conflicts (2 of 4 stars). 5 submissions from 5 submitters: Benign (4). 1 of the submissions does not count toward it. Last evaluated 2026-02-03.

Conditions:
GUCY2C-related disorder. Also called: GUCY2C-related condition.

Allele frequency attached by ClinVar (database versions not stated): 1000 Genomes Project 0.05212; TOPMed 0.05238; 1000 Genomes Project 30x 0.05262; gnomAD 0.04581 and 0.04905; ESP Exome Variant Server 0.05182; gnomAD exomes 0.01207; ExAC 0.01459.
gnomAD v4.1: 14,064 of 1,608,940 alleles (0.87%); highest among the groups gnomAD compares: African/African-American, 16%; 1,007 homozygotes.

Submissions (19):

Labcorp Genetics (formerly Invitae), Labcorp
Classification: Benign. Last evaluated: 2026-02-03. Review status: criteria provided, single submitter. Criteria: Invitae Variant Classification Sherloc (09022015). Collection method: clinical testing. Allele origin: germline.

Mayo Clinic Laboratories, Mayo Clinic
Classification: Benign. Last evaluated: 2024-06-10. Review status: criteria provided, single submitter. Criteria: ACMG Guidelines, 2015. Collection method: clinical testing. Allele origin: germline. Observed: 2 variant alleles.

GeneDx
Classification: Benign. Last evaluated: 2021-06-09. Review status: criteria provided, single submitter. Criteria: GeneDx Variant Classification Process June 2021. Collection method: clinical testing. Allele origin: germline. Affected: yes.

Breakthrough Genomics
Classification: Benign. Review status: criteria provided, single submitter. Criteria: ACMG Guidelines, 2015. Collection method: not provided. Allele origin: germline. Inheritance: Autosomal recessive inheritance. Affected: yes.

PreventionGenetics, part of Exact Sciences
Classification: Benign for GUCY2C-related condition. Last evaluated: 2019-12-09. Review status: no assertion criteria provided. Collection method: clinical testing. Allele origin: germline. Not counted in ClinVar's aggregate classification.
Comment: This variant is classified as benign based on ACMG/AMP sequence variant interpretation guidelines (Richards et al. 2015 PMID: 25741868, with internal and published modifications).

Dr. Peter K. Rogan Lab, Western University
No classification provided (evidence only). Condition: Clear cell carcinoma of kidney. Review status: no classification provided. Collection method: in vitro. Allele origin: not applicable. Functional consequence: retained intron. Not counted in ClinVar's aggregate classification.

Dr. Peter K. Rogan Lab, Western University
No classification provided (evidence only). Condition: Clear cell carcinoma of kidney. Review status: no classification provided. Collection method: in vitro. Allele origin: not applicable. Functional consequence: retained intron. Not counted in ClinVar's aggregate classification.

Dr. Peter K. Rogan Lab, Western University
No classification provided (evidence only). Condition: Clear cell carcinoma of kidney. Review status: no classification provided. Collection method: in vitro. Allele origin: not applicable. Functional consequence: retained intron. Not counted in ClinVar's aggregate classification.

Dr. Peter K. Rogan Lab, Western University
No classification provided (evidence only). Condition: Lung cancer. Review status: no classification provided. Collection method: in vitro. Allele origin: not applicable. Functional consequence: retained intron. Not counted in ClinVar's aggregate classification.

Dr. Peter K. Rogan Lab, Western University
No classification provided (evidence only). Condition: Colon adenocarcinoma. Review status: no classification provided. Collection method: in vitro. Allele origin: not applicable. Functional consequence: retained intron. Not counted in ClinVar's aggregate classification.

Dr. Peter K. Rogan Lab, Western University
No classification provided (evidence only). Condition: Colon adenocarcinoma. Review status: no classification provided. Collection method: in vitro. Allele origin: not applicable. Functional consequence: retained intron. Not counted in ClinVar's aggregate classification.

Dr. Peter K. Rogan Lab, Western University
No classification provided (evidence only). Condition: Colorectal cancer. Review status: no classification provided. Collection method: in vitro. Allele origin: not applicable. Functional consequence: retained intron. Not counted in ClinVar's aggregate classification.

Dr. Peter K. Rogan Lab, Western University
No classification provided (evidence only). Condition: Uterine corpus endometrial carcinoma. Review status: no classification provided. Collection method: in vitro. Allele origin: not applicable. Functional consequence: retained intron. Not counted in ClinVar's aggregate classification.

Dr. Peter K. Rogan Lab, Western University
No classification provided (evidence only). Condition: Uterine corpus endometrial carcinoma. Review status: no classification provided. Collection method: in vitro. Allele origin: not applicable. Functional consequence: retained intron. Not counted in ClinVar's aggregate classification.

Dr. Peter K. Rogan Lab, Western University
No classification provided (evidence only). Condition: Uterine corpus endometrial carcinoma. Review status: no classification provided. Collection method: in vitro. Allele origin: not applicable. Functional consequence: retained intron. Not counted in ClinVar's aggregate classification.

Dr. Peter K. Rogan Lab, Western University
No classification provided (evidence only). Condition: Sarcoma. Review status: no classification provided. Collection method: in vitro. Allele origin: not applicable. Functional consequence: retained intron. Not counted in ClinVar's aggregate classification.

Dr. Peter K. Rogan Lab, Western University
No classification provided (evidence only). Condition: Ovarian serous cystadenocarcinoma. Review status: no classification provided. Collection method: in vitro. Allele origin: not applicable. Functional consequence: retained intron. Not counted in ClinVar's aggregate classification.

Dr. Peter K. Rogan Lab, Western University
No classification provided (evidence only). Condition: Ovarian serous cystadenocarcinoma. Review status: no classification provided. Collection method: in vitro. Allele origin: not applicable. Functional consequence: retained intron. Not counted in ClinVar's aggregate classification.

Dr. Peter K. Rogan Lab, Western University
No classification provided (evidence only). Condition: Gastric cancer. Review status: no classification provided. Collection method: in vitro. Allele origin: not applicable. Functional consequence: retained intron. Not counted in ClinVar's aggregate classification.

NM_004963.4(GUCY2C):c.1798-3C>A

Gene: GUCY2C (guanylate cyclase 2C; minus strand). Cytogenetic location: 12p12.3.
Variant type: single nucleotide variant.
Coding change: c.1798-3C>A on transcript NM_004963.4 (MANE Select); 3 bases into the intron before coding-DNA position 1798, C replaced by A.
Molecular consequence: intron variant.
Genome position (GRCh38, 1-based): chr12:14,643,709, G>T on the plus strand (C>A on the coding strand, the complement: GUCY2C is on the minus strand). VCF-style: chr12-14643709-G-T. GRCh37 (hg19) VCF-style: chr12-14796643-G-T.
Other names: p.?; c.1798-3C>A (NM_004963.3).
Identifiers: ClinVar variation 1170630 (VCV001170630.16), dbSNP rs7966185, ClinGen allele CA6463271.